The following is an entry in ClinVar:

NM_000070.3(CAPN3):c.2440-75C>G

Gene: CAPN3 (calpain 3; plus strand). Cytogenetic location: 15q15.1.
Variant type: single nucleotide variant.
Coding change: c.2440-75C>G on transcript NM_000070.3 (MANE Select); 75 bases into the intron before coding-DNA position 2440, C replaced by G.
Molecular consequence: intron variant.
Genome position (GRCh38, 1-based): chr15:42,411,672, C>G. VCF-style: chr15-42411672-C-G. GRCh37 (hg19) VCF-style: chr15-42703870-C-G.
Other names: c.2422-75C>G (NM_024344.2); c.2164-75C>G (NM_173087.2); c.904-75C>G (NM_173088.2); c.445-75C>G (NM_173090.2, NM_173089.2).
Identifiers: ClinVar variation 1678628 (VCV001678628.2), dbSNP rs184526584, ClinGen allele CA1139532200.
Genomic context (GRCh38, chr15:42,411,672, plus strand): 5'-GCTTCTTGGAAAATCTTCTGGGGGTCTGACCTGCTGGGACTGTTCCCTTTCCTCTTGCCC[C>G]GTAAGATTCCTAGGGCGGGGGGGGGGGGGGTCACTCTTTTCTGATCTACATTCTGATCTT-3'

ClinVar aggregate classification (germline): Uncertain significance (1 of 4 stars; one submission).

Conditions:
Autosomal recessive limb-girdle muscular dystrophy type 2A (LGMDR1). Also called: Muscular dystrophy, limb-girdle, type 2A, Amish; Limb-girdle muscular dystrophy, type 2A; Calpainopathy; LEYDEN-MOEBIUS MUSCULAR DYSTROPHY; MUSCULAR DYSTROPHY, PELVOFEMORAL. Identifiers: Orphanet 267, MedGen C1869123, MONDO:0009675, OMIM 253600. Disease mechanism: loss of function.

gnomAD v4.1: 4 of 876,600 alleles (0.00046%); highest among the groups gnomAD compares: South Asian, 0.0013%; no homozygotes.

Submission:

Molecular Genetics, Royal Melbourne Hospital
Classification: Uncertain significance for Autosomal recessive limb-girdle muscular dystrophy type 2A. Last evaluated: 2022-04-22. Review status: criteria provided, single submitter. Criteria: ACMG Guidelines, 2015. Collection method: clinical testing. Allele origin: germline. Affected: yes.
Comment: This sequence change falls in intron 23 of CAPN3. The variant is absent in a large population cohort (gnomAD v2.1 genomes only and v3), and has not been reported in the relevant medical literature or databases. The variant has been identified in an individual with myopathy and a muscle biopsy suggestive of a Calpainopathy, with a pathogenic missense variant in CAPN3 (Royal Melbourne Hospital). The variant allele is not present in mammals and birds (100 vertebrates, UCSC), and multiple lines of computational evidence predict the activation of a cryptic donor site and potential creation of a pseudoexon (SpliceAI, MaxEntScan, NNSplice). RNA assays are required to confirm these predictions. Based on the classification scheme RMH ACMG Guidelines v1.3.2, this variant is classified as a VARIANT OF UNCERTAIN SIGNIFICANCE. Following criteria are met: PM2_Supporting, PM3_Supporting, PP3, PP4.